The following is an entry in ClinVar:

NM_000256.3(MYBPC3):c.2719G>T (p.Glu907Ter)

Gene: MYBPC3 (myosin binding protein C3; minus strand). Cytogenetic location: 11p11.2.
Variant type: single nucleotide variant.
Coding change: c.2719G>T on transcript NM_000256.3 (MANE Select); coding-DNA position 2719, G replaced by T.
Protein change: p.Glu907Ter; replaces glutamic acid 907 with a stop codon.
Molecular consequence: nonsense.
Genome position (GRCh38, 1-based): chr11:47,335,895, C>A on the plus strand (G>T on the coding strand, the complement: MYBPC3 is on the minus strand). VCF-style: chr11-47335895-C-A. GRCh37 (hg19) VCF-style: chr11-47357446-C-A.
Other names: c.2719G>T, p.Glu907Ter (LRG_386t1); short protein forms E907*.
Identifiers: ClinVar variation 432126 (VCV000432126.11), dbSNP rs1555120920, ClinGen allele CA380317087.

ClinVar aggregate classification (germline): Pathogenic. Review status: criteria provided, multiple submitters, no conflicts (2 of 4 stars). 3 submissions from 3 submitters: Pathogenic (3). Last evaluated 2024-06-17.

Conditions:
Hypertrophic cardiomyopathy. Also called: HYPERTROPHIC MYOCARDIOPATHY. Identifiers: Orphanet 217569, MedGen C0007194, MeSH D002312, MONDO:0005045, HP:0001639.

Submissions (3):

Labcorp Genetics (formerly Invitae), Labcorp
Classification: Pathogenic for Hypertrophic cardiomyopathy. Last evaluated: 2024-06-17. Review status: criteria provided, single submitter. Criteria: Invitae Variant Classification Sherloc (09022015). Collection method: clinical testing. Allele origin: germline.
Comment: This sequence change creates a premature translational stop signal (p.Glu907*) in the MYBPC3 gene. It is expected to result in an absent or disrupted protein product. Loss-of-function variants in MYBPC3 are known to be pathogenic (PMID: 19574547). This variant is not present in population databases (gnomAD no frequency). This premature translational stop signal has been observed in individual(s) with hypertrophic cardiomyopathy (PMID: 31737537). ClinVar contains an entry for this variant (Variation ID: 432126). For these reasons, this variant has been classified as Pathogenic.

Clinical Genetics Laboratory, Skane University Hospital Lund
Classification: Pathogenic. Last evaluated: 2023-12-12. Review status: criteria provided, single submitter. Criteria: ACMG Guidelines, 2015. Collection method: clinical testing. Allele origin: germline. Affected: yes.

GeneDx
Classification: Pathogenic. Last evaluated: 2018-12-12. Review status: criteria provided, single submitter. Criteria: GeneDx Variant Classification (06012015). Collection method: clinical testing. Allele origin: germline. Affected: yes.
Comment: The E907X pathogenic variant in the MYBPC3 gene has not been reported as a pathogenic or benign to our knowledge. This variant is predicted to cause loss of normal protein function either by protein truncation or nonsense-mediated mRNA decay. Other nonsense variants in the MYBPC3 gene have been reported in Human Gene Mutation Database in association with cardiomyopathy (Stenson et al., 2014). Furthermore, the E907X variant is not observed in large population cohorts (Lek et al., 2016). In summary, E907X in the MYBPC3 gene is interpreted as a pathogenic variant.

Literature cited by the submitters: PubMed 19574547 (cited by Labcorp Genetics (formerly Invitae), Labcorp); PubMed 31737537 (cited by Labcorp Genetics (formerly Invitae), Labcorp).